The following is an entry in ClinVar:

ClinVar aggregate classification (germline): Likely pathogenic (0 of 4 stars; one submission).

Conditions:
Imerslund-Grasbeck syndrome. Also called: PERNICIOUS ANEMIA, JUVENILE, DUE TO SELECTIVE INTESTINAL MALABSORPTION OF VITAMIN B12, WITH PROTEINURIA; Megaloblastic anemia due to inborn errors of metabolism; Imerslund-Gräsbeck syndrome; ENTEROCYTE COBALAMIN MALABSORPTION; ENTEROCYTE INTRINSIC FACTOR RECEPTOR, DEFECT OF. Identifiers: Orphanet 35858, MedGen C4551825, MONDO:0009853.

Submission:

Juha Muilu Group; Institute for Molecular Medicine Finland (FIMM)
Classification: Likely pathogenic for Megaloblastic anemia due to inborn errors of metabolism. Review status: no assertion criteria provided. Collection method: not provided. Allele origin: unknown.
Comment: FinDis database variant: This variant was not found or characterized by our laboratory, data were collected from public sources: see reference
ClinVar note: Converted during submission from probable-pathogenic to Likely pathogenic.

NM_001081.4(CUBN):c.673T>A (p.Cys225Ser)

Genes: CUBN (cubilin; minus strand), LOC126860871 (MED14-independent group 3 enhancer GRCh37_chr10:17157167-17158366; plus strand). Cytogenetic location: 10p13.
Variant type: single nucleotide variant.
Coding change: c.673T>A on transcript NM_001081.4 (MANE Select); coding-DNA position 673, T replaced by A.
Protein change: p.Cys225Ser; replaces cysteine 225 with serine.
Molecular consequence: missense variant.
Genome position (GRCh38, 1-based): chr10:17,115,518, A>T on the plus strand (T>A on the coding strand, the complement: CUBN is on the minus strand). VCF-style: chr10-17115518-A-T. GRCh37 (hg19) VCF-style: chr10-17157517-A-T.
Other names: short protein forms C225S.
Identifiers: ClinVar variation 56342 (VCV000056342.2), dbSNP rs386833790, ClinGen allele CA144302.